The following is an entry in ClinVar:

NM_000996.4(RPL35A):c.11+4C>T

Genes: DRC9 (dynein regulatory complex subunit 9; minus strand), RPL35A (ribosomal protein L35a; plus strand). Cytogenetic location: 3q29.
Variant type: single nucleotide variant.
Coding change: c.11+4C>T on transcript NM_000996.4 (MANE Select); 4 bases into the intron after coding-DNA position 11, C replaced by T.
Molecular consequence: intron variant.
Genome position (GRCh38, 1-based): chr3:197,950,982, C>T. VCF-style: chr3-197950982-C-T. GRCh37 (hg19) VCF-style: chr3-197677853-C-T.
Other names: c.-49-6931G>A (NM_001323028.2); c.-59-5296G>A (NM_032263.5); c.-374-5296G>A (NM_001323029.2); c.11+4C>T (NM_001316311.2).
Identifiers: ClinVar variation 3014340 (VCV003014340.3), dbSNP rs779071104, ClinGen allele CA1058304298.

ClinVar aggregate classification (germline): Uncertain significance (1 of 4 stars; one submission).

Conditions:
Diamond-Blackfan anemia 5 (DBA5). Also called: RPL35A-Related Diamond-Blackfan Anemia. Identifiers: Orphanet 124, MedGen C2675859, MONDO:0012925, OMIM 612528.

Allele frequency attached by ClinVar (database versions not stated): gnomAD 0.00001.
gnomAD v4.1: 4 of 1,613,076 alleles (0.00025%); highest among the groups gnomAD compares: African/African-American, 0.0013%; no homozygotes.

Submission:

Labcorp Genetics (formerly Invitae), Labcorp
Classification: Uncertain significance for Diamond-Blackfan anemia 5. Last evaluated: 2025-03-01. Review status: criteria provided, single submitter. Criteria: Invitae Variant Classification Sherloc (09022015). Collection method: clinical testing. Allele origin: germline.
Comment: This sequence change falls in intron 2 of the RPL35A gene. It does not directly change the encoded amino acid sequence of the RPL35A protein. It affects a nucleotide within the consensus splice site. This variant is not present in population databases (gnomAD no frequency). This variant has not been reported in the literature in individuals affected with RPL35A-related conditions. ClinVar contains an entry for this variant (Variation ID: 3014340). Variants that disrupt the consensus splice site are a relatively common cause of aberrant splicing (PMID: 17576681, 9536098). Algorithms developed to predict the effect of sequence changes on RNA splicing suggest that this variant is not likely to affect RNA splicing. In summary, the available evidence is currently insufficient to determine the role of this variant in disease. Therefore, it has been classified as a Variant of Uncertain Significance.

Literature cited by the submitters: PubMed 17576681; PubMed 9536098.